The following is an entry in ClinVar:

NM_005732.4(RAD50):c.2718+3A>G

Gene: RAD50 (RAD50 double strand break repair protein; plus strand). Cytogenetic location: 5q31.1.
Variant type: single nucleotide variant.
Coding change: c.2718+3A>G on transcript NM_005732.4 (MANE Select); 3 bases into the intron after coding-DNA position 2718, A replaced by G.
Molecular consequence: intron variant.
Genome position (GRCh38, 1-based): chr5:132,605,002, A>G. VCF-style: chr5-132605002-A-G. GRCh37 (hg19) VCF-style: chr5-131940694-A-G.
Identifiers: ClinVar variation 457414 (VCV000457414.12), dbSNP rs1554099203, ClinGen allele CA658657523.

ClinVar aggregate classification (germline): Uncertain significance. Review status: criteria provided, multiple submitters, no conflicts (2 of 4 stars). 2 submissions from 2 submitters: Uncertain significance (2). Last evaluated 2026-02-11.

Conditions:
Hereditary cancer-predisposing syndrome. Also called: Neoplastic Syndromes, Hereditary; Tumor predisposition; Hereditary neoplastic syndrome; Hereditary Cancer Syndrome. Identifiers: Orphanet 140162, MedGen C0027672, MeSH D009386, MONDO:0015356.

Submissions (2):

Ambry Genetics
Classification: Uncertain significance for Hereditary cancer-predisposing syndrome. Last evaluated: 2026-02-11. Review status: criteria provided, single submitter. Criteria: Ambry Variant Classification Scheme 2023. Collection method: clinical testing. Allele origin: germline.
Comment: The c.2718+3A>G intronic variant results from an A to G substitution 3 nucleotides after coding exon 16 in the RAD50 gene. This nucleotide position is not well conserved in available vertebrate species. In silico splice site analysis predicts that this alteration will not have any significant effect on splicing. Based on the available evidence, the clinical significance of this variant remains unclear.

Labcorp Genetics (formerly Invitae), Labcorp
Classification: Uncertain significance for Hereditary cancer-predisposing syndrome. Last evaluated: 2017-01-10. Review status: criteria provided, single submitter. Criteria: Invitae Variant Classification Sherloc (09022015). Collection method: clinical testing. Allele origin: germline.
Comment: Nucleotide substitutions within the consensus splice site are relatively common causes of aberrant splicing (PMID: 17576681, 9536098). Algorithms developed to predict the effect of nucleotide changes on RNA splicing suggest that this variant may alter RNA splicing, but this prediction has not been confirmed by published transcriptional studies. This variant is not present in population databases (ExAC no frequency) and has not been reported in the literature in individuals with a RAD50-related disease. In summary, this is a novel intronic change with uncertain impact on splicing. It has been classified as a Variant of Uncertain Significance. This sequence change falls in intron 16 of the RAD50 gene. It does not directly change the encoded amino acid sequence of the RAD50 protein, but it affects a nucleotide within the consensus splice site of the intron.

Literature cited by the submitters: PubMed 17576681 (cited by Labcorp Genetics (formerly Invitae), Labcorp); PubMed 9536098 (cited by Labcorp Genetics (formerly Invitae), Labcorp).